The following is an entry in ClinVar:

NM_018433.6(KDM3A):c.557-6_557-4dup

Gene: KDM3A (lysine demethylase 3A; plus strand). Cytogenetic location: 2p11.2.
Variant type: Duplication.
Coding change: c.557-6_557-4dup on transcript NM_018433.6 (MANE Select); 6 bases into the intron before coding-DNA position 557 through 4 bases into the intron before coding-DNA position 557, 3 bases duplicated (TTT; older notation c.557-6_557-4dupTTT).
Molecular consequence: intron variant.
Genome position (GRCh38, 1-based): chr2:86,456,436-86,456,438, TTT duplicated; duplicating any 3 consecutive bases within chr2:86,456,417-86,456,438 gives the same sequence; the c. name uses the placement nearest the transcript's 3' end. VCF-style (leftmost placement, unchanged base first): chr2-86456416-A-ATTT. GRCh37 (hg19) VCF-style: chr2-86683539-A-ATTT.
Other names: c.557-6_557-4dup (NM_001146688.2).
Identifiers: ClinVar variation 3049186 (VCV003049186.2), dbSNP rs11431031, ClinGen allele CA1749091.

ClinVar aggregate classification (germline): Benign (0 of 4 stars; one submission).

Conditions:
KDM3A-related disorder. Also called: KDM3A-related condition.

Submission:

PreventionGenetics, part of Exact Sciences
Classification: Benign for KDM3A-related condition. Last evaluated: 2019-11-25. Review status: no assertion criteria provided. Collection method: clinical testing. Allele origin: germline.
Comment: This variant is classified as benign based on ACMG/AMP sequence variant interpretation guidelines (Richards et al. 2015 PMID: 25741868, with internal and published modifications).